The following is an entry in ClinVar:

ClinVar aggregate classification (germline): Uncertain significance (1 of 4 stars; one submission).

Submission:

Labcorp Genetics (formerly Invitae), Labcorp
Classification: Uncertain significance. Last evaluated: 2022-05-27. Review status: criteria provided, single submitter. Criteria: Invitae Variant Classification Sherloc (09022015). Collection method: clinical testing. Allele origin: germline.
Comment: In summary, the available evidence is currently insufficient to determine the role of this variant in disease. Therefore, it has been classified as a Variant of Uncertain Significance. Algorithms developed to predict the effect of missense changes on protein structure and function (SIFT, PolyPhen-2, Align-GVGD) all suggest that this variant is likely to be tolerated. This variant has not been reported in the literature in individuals affected with C1QC-related conditions. This variant is not present in population databases (gnomAD no frequency). This sequence change replaces arginine, which is basic and polar, with glycine, which is neutral and non-polar, at codon 210 of the C1QC protein (p.Arg210Gly).

NM_172369.5(C1QC):c.628A>G (p.Arg210Gly)

Gene: C1QC (complement C1q C chain; plus strand). Cytogenetic location: 1p36.12.
Variant type: single nucleotide variant.
Coding change: c.628A>G on transcript NM_172369.5 (MANE Select); coding-DNA position 628, A replaced by G.
Protein change: p.Arg210Gly; replaces arginine 210 with glycine.
Molecular consequence: missense variant.
Genome position (GRCh38, 1-based): chr1:22,647,673, A>G. VCF-style: chr1-22647673-A-G. GRCh37 (hg19) VCF-style: chr1-22974166-A-G.
Other names: c.628A>G, p.Arg210Gly (NM_001114101.3, NM_001347619.2); c.361A>G, p.Arg121Gly (NM_001347620.2); short protein forms R210G, R121G.
Identifiers: ClinVar variation 1445284 (VCV001445284.6), dbSNP rs2148297577, ClinGen allele CA338938545.